The following is an entry in ClinVar:

NM_152383.5(DIS3L2):c.689A>G (p.Gln230Arg)

Gene: DIS3L2 (DIS3 like 3'-5' exoribonuclease 2; plus strand). Cytogenetic location: 2q37.1.
Variant type: single nucleotide variant.
Coding change: c.689A>G on transcript NM_152383.5 (MANE Select); coding-DNA position 689, A replaced by G.
Protein change: p.Gln230Arg; replaces glutamine 230 with arginine.
Molecular consequence: missense variant. On other transcripts: non-coding transcript variant (2).
Genome position (GRCh38, 1-based): chr2:232,130,706, A>G. VCF-style: chr2-232130706-A-G. GRCh37 (hg19) VCF-style: chr2-232995416-A-G.
Other names: c.689A>G, p.Gln230Arg (NM_001257281.2, NM_001257282.2); short protein forms Q230R.
Identifiers: ClinVar variation 1492233 (VCV001492233.8), dbSNP rs2106350169, ClinGen allele CA351153264.

ClinVar aggregate classification (germline): Uncertain significance (1 of 4 stars; one submission).

Conditions:
Perlman syndrome (PRLMNS). Identifiers: Orphanet 2849, MedGen C0796113, MONDO:0009965, OMIM 267000.

Allele frequency attached by ClinVar (database versions not stated): gnomAD exomes below 0.00001.
gnomAD v4.1: 1 of 1,613,988 alleles (0.000062%); highest among the groups gnomAD compares: Non-Finnish European, 0.000085%; no homozygotes.

Submission:

Labcorp Genetics (formerly Invitae), Labcorp
Classification: Uncertain significance for Perlman syndrome. Last evaluated: 2021-04-28. Review status: criteria provided, single submitter. Criteria: Invitae Variant Classification Sherloc (09022015). Collection method: clinical testing. Allele origin: germline.
Comment: This sequence change replaces glutamine with arginine at codon 230 of the DIS3L2 protein (p.Gln230Arg). The glutamine residue is moderately conserved and there is a small physicochemical difference between glutamine and arginine. This variant is not present in population databases (ExAC no frequency). This variant has not been reported in the literature in individuals with DIS3L2-related conditions. Algorithms developed to predict the effect of missense changes on protein structure and function are either unavailable or do not agree on the potential impact of this missense change (SIFT: "Tolerated"; PolyPhen-2: "Possibly Damaging"; Align-GVGD: "Class C0"). In summary, the available evidence is currently insufficient to determine the role of this variant in disease. Therefore, it has been classified as a Variant of Uncertain Significance.